The following is an entry in ClinVar:

ClinVar aggregate classification (germline): Uncertain significance (1 of 4 stars; one submission).

gnomAD v4.1: 1 of 1,491,296 alleles (0.000067%); highest among the groups gnomAD compares: African/African-American, 0.0014%; no homozygotes.

Submission:

Labcorp Genetics (formerly Invitae), Labcorp
Classification: Uncertain significance. Last evaluated: 2023-03-16. Review status: criteria provided, single submitter. Criteria: Invitae Variant Classification Sherloc (09022015). Collection method: clinical testing. Allele origin: germline.
Comment: In summary, the available evidence is currently insufficient to determine the role of this variant in disease. Therefore, it has been classified as a Variant of Uncertain Significance. An algorithm developed to predict the effect of missense changes on protein structure and function (PolyPhen-2) suggests that this variant is likely to be disruptive. This variant has not been reported in the literature in individuals affected with IFT88-related conditions. This variant is not present in population databases (gnomAD no frequency). This sequence change replaces cysteine, which is neutral and slightly polar, with phenylalanine, which is neutral and non-polar, at codon 526 of the IFT88 protein (p.Cys526Phe).

NM_006531.5(IFT88):c.1550G>T (p.Cys517Phe)

Gene: IFT88 (intraflagellar transport 88; plus strand). Cytogenetic location: 13q12.11.
Variant type: single nucleotide variant.
Coding change: c.1550G>T on transcript NM_006531.5 (MANE Select); coding-DNA position 1550, G replaced by T.
Protein change: p.Cys517Phe; replaces cysteine 517 with phenylalanine.
Molecular consequence: missense variant. On other transcripts: non-coding transcript variant (4).
Genome position (GRCh38, 1-based): chr13:20,638,495, G>T. VCF-style: chr13-20638495-G-T. GRCh37 (hg19) VCF-style: chr13-21212634-G-T.
Other names: c.1493G>T, p.Cys498Phe (NM_001318491.2, NM_001353575.2); c.1577G>T, p.Cys526Phe (NM_001318493.2, NM_001353565.2, NM_001353566.2 and 2 more transcripts); c.1550G>T, p.Cys517Phe (NM_001353568.2, NM_001353572.2); c.1475G>T, p.Cys492Phe (NM_001353569.2, NM_001353570.2, NM_001353576.2 and 1 more transcripts); c.1448G>T, p.Cys483Phe (NM_001353571.2, NM_001353578.2); c.1406G>T, p.Cys469Phe (NM_001353573.2); c.1391G>T, p.Cys464Phe (NM_001353574.2); c.917G>T, p.Cys306Phe (NM_001353579.2); short protein forms C483F, C526F, C306F, C464F, C469F, C492F, C498F, C517F.
Identifiers: ClinVar variation 2776718 (VCV002776718.3), dbSNP rs2548528500, ClinGen allele CA387473529.